The following is an entry in ClinVar:

ClinVar aggregate classification (germline): Uncertain significance (1 of 4 stars; one submission).

gnomAD v4.1: 1 of 1,614,096 alleles (0.000062%); highest among the groups gnomAD compares: South Asian, 0.0011%; no homozygotes.

Submission:

GeneDx
Classification: Uncertain significance. Last evaluated: 2024-10-08. Review status: criteria provided, single submitter. Criteria: GeneDx Variant Classification Process June 2021. Collection method: clinical testing. Allele origin: germline. Affected: yes.
Comment: Not observed at significant frequency in large population cohorts (gnomAD); In silico analysis indicates that this missense variant does not alter protein structure/function; Has not been previously published as pathogenic or benign to our knowledge; Reported using an alternate transcript of the gene

NM_134261.3(RORA):c.196+51371A>G

Genes: RORA-AS1 (RORA antisense RNA 1; plus strand), RORA (RAR related orphan receptor A; minus strand). Cytogenetic location: 15q22.2.
Variant type: single nucleotide variant.
Coding change: c.196+51371A>G on transcript NM_134261.3 (MANE Select); 51371 bases into the intron after coding-DNA position 196, A replaced by G.
Molecular consequence: intron variant. On other transcripts: missense variant (2).
Genome position (GRCh38, 1-based): chr15:60,627,286, T>C on the plus strand (A>G on the coding strand, the complement: RORA is on the minus strand). VCF-style: chr15-60627286-T-C. GRCh37 (hg19) VCF-style: chr15-60919485-T-C.
Other names: c.89A>G, p.Gln30Arg (NM_002943.4, NM_134260.3); short protein forms Q30R.
Identifiers: ClinVar variation 3777508 (VCV003777508.1).